The following is an entry in ClinVar:

NM_004429.5(EFNB1):c.219T>G (p.Tyr73Ter)

Gene: EFNB1 (ephrin B1; plus strand). Cytogenetic location: Xq13.1.
Variant type: single nucleotide variant.
Coding change: c.219T>G on transcript NM_004429.5 (MANE Select); coding-DNA position 219, T replaced by G.
Protein change: p.Tyr73Ter; replaces tyrosine 73 with a stop codon.
Molecular consequence: nonsense.
Genome position (GRCh38, 1-based): chrX:68,838,707, T>G. VCF-style: chrX-68838707-T-G. GRCh37 (hg19) VCF-style: chrX-68058550-T-G.
Other names: short protein forms Y73*.
Identifiers: ClinVar variation 280631 (VCV000280631.2), dbSNP rs886041800, ClinGen allele CA10603686.

ClinVar aggregate classification (germline): Pathogenic (1 of 4 stars; one submission).

Submission:

GeneDx
Classification: Pathogenic. Last evaluated: 2016-05-23. Review status: criteria provided, single submitter. Criteria: GeneDx Variant Classification (06012015). Collection method: clinical testing. Allele origin: germline. Affected: yes.
Comment: The Y73X nonsense variant in the EFNB1 gene is predicted to cause loss of normal protein function either through protein truncation or nonsense-mediated mRNA decay. This variant was not observed in approximately 6500 individuals of European and African American ancestry in the NHLBI Exome Sequencing Project, indicating it is not a common benign variant in these populations. Nonsense variants in nearby residues (E74X, Y76X) have been reported in the Human Gene Mutation Database in association with craniofrontonasal syndrome (CFNS) (Stenson et al., 2014), supporting the functional importance of this region of the protein. Although this pathogenic variant has not been reported previously to our knowledge, its presence is consistent with a diagnosis of CFNS